The following is an entry in ClinVar:

NM_020117.11(LARS1):c.1230+169A>G

Gene: LARS1 (leucyl-tRNA synthetase 1; minus strand). Cytogenetic location: 5q32.
Variant type: single nucleotide variant.
Coding change: c.1230+169A>G on transcript NM_020117.11 (MANE Select); 169 bases into the intron after coding-DNA position 1230, A replaced by G.
Molecular consequence: intron variant.
Genome position (GRCh38, 1-based): chr5:146,153,565, T>C on the plus strand (A>G on the coding strand, the complement: LARS1 is on the minus strand). VCF-style: chr5-146153565-T-C. GRCh37 (hg19) VCF-style: chr5-145533128-T-C.
Other names: c.1068+169A>G (NM_001317965.2); c.1149+169A>G (NM_016460.4); c.1092+169A>G (NM_001317964.2).
Identifiers: ClinVar variation 670004 (VCV000670004.1), dbSNP rs34090359, ClinGen allele CA128850859.

ClinVar aggregate classification (germline): Benign (1 of 4 stars; one submission).

Allele frequency attached by ClinVar (database versions not stated): 1000 Genomes Project 30x 0.18067; 1000 Genomes Project 0.18171; TOPMed 0.22135; gnomAD 0.22303 and 0.22396.
gnomAD v4.1: 33,902 of 151,110 alleles (22%); highest among the groups gnomAD compares: Admixed American, 34%; 4,841 homozygotes.

Submission:

GeneDx
Classification: Benign. Last evaluated: 2018-06-14. Review status: criteria provided, single submitter. Criteria: GeneDx Variant Classification (06012015). Collection method: clinical testing. Allele origin: germline. Affected: yes.
Comment: This variant is considered likely benign or benign based on one or more of the following criteria: it is a conservative change, it occurs at a poorly conserved position in the protein, it is predicted to be benign by multiple in silico algorithms, and/or has population frequency not consistent with disease.